The following is an entry in ClinVar:

ClinVar aggregate classification (germline): Pathogenic (1 of 4 stars; one submission).

Conditions:
Landau-Kleffner syndrome (FESD). Also called: EPILEPSY, FOCAL, WITH SPEECH DISORDER AND WITH OR WITHOUT MENTAL RETARDATION; APHASIA, ACQUIRED, WITH EPILEPSY. Identifiers: Orphanet 1945, Orphanet 725, Orphanet 98818, MedGen C0282512, MONDO:0009509, OMIM 245570.

Submission:

Labcorp Genetics (formerly Invitae), Labcorp
Classification: Pathogenic for Landau-Kleffner syndrome. Last evaluated: 2022-08-09. Review status: criteria provided, single submitter. Criteria: Invitae Variant Classification Sherloc (09022015). Collection method: clinical testing. Allele origin: germline.
Comment: For these reasons, this variant has been classified as Pathogenic. Algorithms developed to predict the effect of sequence changes on RNA splicing suggest that this variant may create or strengthen a splice site. ClinVar contains an entry for this variant (Variation ID: 1073902). This variant has not been reported in the literature in individuals affected with GRIN2A-related conditions. This variant is not present in population databases (gnomAD no frequency). This sequence change creates a premature translational stop signal (p.Gln154*) in the GRIN2A gene. It is expected to result in an absent or disrupted protein product. Loss-of-function variants in GRIN2A are known to be pathogenic (PMID: 23933819, 23933820).

Literature cited by the submitters: PubMed 23933819; PubMed 23933820.

NM_001134407.3(GRIN2A):c.460C>T (p.Gln154Ter)

Gene: GRIN2A (glutamate ionotropic receptor NMDA type subunit 2A; minus strand). Cytogenetic location: 16p13.2.
Variant type: single nucleotide variant.
Coding change: c.460C>T on transcript NM_001134407.3 (MANE Select); coding-DNA position 460, C replaced by T.
Protein change: p.Gln154Ter; replaces glutamine 154 with a stop codon.
Molecular consequence: nonsense.
Genome position (GRCh38, 1-based): chr16:9,938,506, G>A on the plus strand (C>T on the coding strand, the complement: GRIN2A is on the minus strand). VCF-style: chr16-9938506-G-A. GRCh37 (hg19) VCF-style: chr16-10032363-G-A.
Other names: c.460C>T, p.Gln154Ter (NM_000833.5, NM_001134408.2); short protein forms Q154*.
Identifiers: ClinVar variation 1073902 (VCV001073902.11), dbSNP rs1555455815, ClinGen allele CA394799469.